The following is an entry in ClinVar:

ClinVar aggregate classification (germline): Conflicting classifications of pathogenicity. Review status: criteria provided, conflicting classifications (1 of 4 stars). 2 submissions from 2 submitters: Uncertain significance (1); Likely benign (1). Last evaluated 2022-12-17.

Conditions:
Hereditary cancer-predisposing syndrome. Also called: Hereditary Cancer Syndrome; Tumor predisposition; Neoplastic Syndromes, Hereditary; Hereditary neoplastic syndrome. Identifiers: Orphanet 140162, MedGen C0027672, MeSH D009386, MONDO:0015356.
DICER1-related tumor predisposition. Also called: DICER1-related pleuropulmonary blastoma cancer predisposition syndrome; DICER1 syndrome. Identifiers: Orphanet 284343, MedGen C3839822, MONDO:0100216.

Allele frequency attached by ClinVar (database versions not stated): gnomAD exomes below 0.00001.

Submissions (2):

Labcorp Genetics (formerly Invitae), Labcorp
Classification: Uncertain significance for DICER1-related tumor predisposition. Last evaluated: 2022-12-17. Review status: criteria provided, single submitter. Criteria: Invitae Variant Classification Sherloc (09022015). Collection method: clinical testing. Allele origin: germline.
Comment: This sequence change affects codon 1116 of the DICER1 mRNA. It is a 'silent' change, meaning that it does not change the encoded amino acid sequence of the DICER1 protein. This variant is present in population databases (no rsID available, gnomAD 0.0009%). This variant has not been reported in the literature in individuals affected with DICER1-related conditions. ClinVar contains an entry for this variant (Variation ID: 653211). Algorithms developed to predict the effect of sequence changes on RNA splicing suggest that this variant may create or strengthen a splice site. In summary, the available evidence is currently insufficient to determine the role of this variant in disease. Therefore, it has been classified as a Variant of Uncertain Significance.

Ambry Genetics
Classification: Likely benign for Hereditary cancer-predisposing syndrome. Last evaluated: 2021-10-05. Review status: criteria provided, single submitter. Criteria: Ambry Variant Classification Scheme 2023. Collection method: clinical testing. Allele origin: germline.

NM_177438.3(DICER1):c.3348T>A (p.Ala1116=)

Gene: DICER1 (dicer 1, ribonuclease III; minus strand). Cytogenetic location: 14q32.13.
Variant type: single nucleotide variant.
Coding change: c.3348T>A on transcript NM_177438.3 (MANE Select); coding-DNA position 3348, T replaced by A.
Protein change: p.Ala1116=; no amino-acid change (alanine 1116 retained).
Molecular consequence: synonymous variant.
Genome position (GRCh38, 1-based): chr14:95,104,048, A>T on the plus strand (T>A on the coding strand, the complement: DICER1 is on the minus strand). VCF-style: chr14-95104048-A-T. GRCh37 (hg19) VCF-style: chr14-95570385-A-T.
Other names: c.3348T>A, p.Ala1116= (NM_001195573.1, NM_001271282.3, NM_001291628.2 and 1 more transcripts).
Identifiers: ClinVar variation 653211 (VCV000653211.12), dbSNP rs1368444664, ClinGen allele CA487844683.